The following is an entry in ClinVar:

NM_001966.4(EHHADH):c.2108C>T (p.Ser703Phe)

Gene: EHHADH (enoyl-CoA hydratase and 3-hydroxyacyl CoA dehydrogenase; minus strand). Cytogenetic location: 3q27.2.
Variant type: single nucleotide variant.
Coding change: c.2108C>T on transcript NM_001966.4 (MANE Select); coding-DNA position 2108, C replaced by T.
Protein change: p.Ser703Phe; replaces serine 703 with phenylalanine.
Molecular consequence: missense variant.
Genome position (GRCh38, 1-based): chr3:185,192,290, G>A on the plus strand (C>T on the coding strand, the complement: EHHADH is on the minus strand). VCF-style: chr3-185192290-G-A. GRCh37 (hg19) VCF-style: chr3-184910078-G-A.
Other names: p.Ser703Phe; c.1820C>T, p.Ser607Phe (NM_001166415.2); short protein forms S607F, S703F.
Identifiers: ClinVar variation 774610 (VCV000774610.30), dbSNP rs55752621, ClinGen allele CA2738849.

ClinVar aggregate classification (germline): Conflicting classifications of pathogenicity. Review status: criteria provided, conflicting classifications (1 of 4 stars). 4 submissions from 4 submitters: Uncertain significance (1); Benign (3). Last evaluated 2026-08-01.

Conditions:
Chronic kidney disease. Identifiers: MedGen C1561643, MONDO:0005300, HP:0012622.

Allele frequency attached by ClinVar (database versions not stated): 1000 Genomes Project 30x 0.00390; 1000 Genomes Project 0.00519; gnomAD 0.00847 and 0.00852; TOPMed 0.00910; gnomAD exomes 0.00919 and 0.01237; ExAC 0.00975; ESP Exome Variant Server 0.01061.
gnomAD v4.1: 19,285 of 1,614,160 alleles (1.2%); highest among the groups gnomAD compares: Middle Eastern, 1.8%; 141 homozygotes.

Submissions (4):

CeGaT Center for Human Genetics Tuebingen
Classification: Benign. Last evaluated: 2026-08-01. Review status: criteria provided, single submitter. Criteria: CeGaT Center For Human Genetics Tuebingen Variant Classification Criteria Version 2. Collection method: clinical testing. Allele origin: germline. Affected: yes. Observed: 8 variant alleles.
Comment: EHHADH: BS1, BS2

Mayo Clinic Laboratories, Mayo Clinic
Classification: Benign. Last evaluated: 2021-12-15. Review status: criteria provided, single submitter. Criteria: ACMG Guidelines, 2015. Collection method: clinical testing. Allele origin: germline. Observed: 14 variant alleles.
Comment: BS1, BS2

Cavalleri Lab, Royal College of Surgeons in Ireland
Classification: Uncertain significance for Chronic kidney disease. Last evaluated: 2020-05-28. Review status: criteria provided, single submitter. Criteria: ACMG Guidelines, 2015. Collection method: research. Allele origin: unknown. Inheritance: Autosomal dominant inheritance. Affected: yes.
Comment: PP3, BS1

Labcorp Genetics (formerly Invitae), Labcorp
Classification: Benign. Last evaluated: 2019-12-31. Review status: criteria provided, single submitter. Criteria: Invitae Variant Classification Sherloc (09022015). Collection method: clinical testing. Allele origin: germline.